The following is an entry in ClinVar:

NM_000548.5(TSC2):c.3430G>T (p.Val1144Leu)

Gene: TSC2 (TSC complex subunit 2; plus strand). Cytogenetic location: 16p13.3.
Variant type: single nucleotide variant.
Coding change: c.3430G>T on transcript NM_000548.5 (MANE Select); coding-DNA position 3430, G replaced by T.
Protein change: p.Val1144Leu; replaces valine 1144 with leucine.
Molecular consequence: missense variant.
Genome position (GRCh38, 1-based): chr16:2,080,197, G>T. VCF-style: chr16-2080197-G-T. GRCh37 (hg19) VCF-style: chr16-2130198-G-T.
Other names: c.3298G>T, p.Val1100Leu (NM_001077183.3, NM_001370404.1); c.3430G>T, p.Val1144Leu (NM_001114382.3); c.3190G>T, p.Val1064Leu (NM_001318827.2); c.3154G>T, p.Val1052Leu (NM_001318829.2); c.2698G>T, p.Val900Leu (NM_001318831.2); c.3331G>T, p.Val1111Leu (NM_001318832.2); c.3301G>T, p.Val1101Leu (NM_001363528.2, NM_001370405.1, NM_021055.3); short protein forms V1144L, V1111L, V1100L, V900L, V1052L, V1064L, V1101L.
Identifiers: ClinVar variation 49259 (VCV000049259.16), dbSNP rs45517294, ClinGen allele CA019160.

ClinVar aggregate classification (germline): Conflicting classifications of pathogenicity. Review status: criteria provided, conflicting classifications (1 of 4 stars). 4 submissions from 4 submitters: Uncertain significance (2); Likely benign (1). 1 of the submissions does not count toward it. Last evaluated 2025-04-02.

Conditions:
Hereditary cancer-predisposing syndrome. Also called: Neoplastic Syndromes, Hereditary; Tumor predisposition; Hereditary Cancer Syndrome; Hereditary neoplastic syndrome. Identifiers: Orphanet 140162, MedGen C0027672, MeSH D009386, MONDO:0015356.
Tuberous sclerosis syndrome (TSC). Also called: Tuberous Sclerosis Complex; Tuberous sclerosis. Identifiers: Orphanet 805, MedGen C0041341, MONDO:0001734.
Tuberous sclerosis 2 (TSC2). Identifiers: Orphanet 805, MedGen C1860707, MONDO:0013199, OMIM 613254.

gnomAD v4.1: 3 of 1,612,800 alleles (0.00019%); highest among the groups gnomAD compares: East Asian, 0.0045%; no homozygotes.

Submissions (4):

Ambry Genetics
Classification: Likely benign for Hereditary cancer-predisposing syndrome. Last evaluated: 2025-04-02. Review status: criteria provided, single submitter. Criteria: Ambry Variant Classification Scheme 2023. Collection method: clinical testing. Allele origin: germline.

Genome-Nilou Lab
Classification: Uncertain significance for Tuberous sclerosis 2. Last evaluated: 2021-11-07. Review status: criteria provided, single submitter. Criteria: ACMG Guidelines, 2015. Collection method: clinical testing. Allele origin: germline. Affected: no.

Labcorp Genetics (formerly Invitae), Labcorp
Classification: Uncertain significance for Tuberous sclerosis 2. Last evaluated: 2019-12-10. Review status: criteria provided, single submitter. Criteria: Invitae Variant Classification Sherloc (09022015). Collection method: clinical testing. Allele origin: germline.
Comment: This sequence change replaces valine with leucine at codon 1144 of the TSC2 protein (p.Val1144Leu). The valine residue is weakly conserved and there is a small physicochemical difference between valine and leucine. This variant is not present in population databases (ExAC no frequency). This variant has been reported in the literature in one individual suspected to be affected with tuberous sclerosis (PMID: 22903760). ClinVar contains an entry for this variant (Variation ID: 49259). One experimental study has shown that this missense change does not have an effect on protein function in vitro (PMID: 22903760). In summary, this variant is a rare missense change that has shown a neutral effect on protein function. However, the evidence is insufficient at this point to classify it conclusively. Therefore, it has been classified as a Variant of Uncertain Significance.

Tuberous sclerosis database (TSC2)
No classification provided. Condition: TSC. Review status: no classification provided. Criteria: Tuberous Sclerosis Database Assertion Criteria 2015. Collection method: curation. Allele origin: germline. Affected: yes. Not counted in ClinVar's aggregate classification.

Literature cited by the submitters: PubMed 22903760 (cited by Ambry Genetics and Labcorp Genetics (formerly Invitae), Labcorp).